The following is an entry in ClinVar:

ClinVar aggregate classification (germline): Uncertain significance. Review status: criteria provided, multiple submitters, no conflicts (2 of 4 stars). 3 submissions from 3 submitters: Uncertain significance (3). Last evaluated 2025-01-23.

Conditions:
Hypogonadotropic hypogonadism 5 with or without anosmia (KAL5). Also called: CHD7-Related GnRH Deficiency (Kallmann Syndrome 5); HYPOGONADOTROPIC HYPOGONADISM 5 WITH ANOSMIA; HYPOGONADOTROPHIC HYPOGONADISM 5 WITHOUT ANOSMIA. Identifiers: Orphanet 478, MedGen C3552553, MONDO:0012880, OMIM 612370. Disease mechanism: loss of function.
CHARGE syndrome (CHARGE). Also called: Hittner Hirsch Kreh syndrome; CHARGE ASSOCIATION--COLOBOMA, HEART ANOMALY, CHOANAL ATRESIA, RETARDATION, GENITAL AND EAR ANOMALIES; Coloboma, heart anomaly, choanal atresia, retardation, genital and ear anomalies; CHARGE association; Hall-Hittner syndrome. Identifiers: Orphanet 138, MedGen C0265354, MONDO:0008965.

Submissions (3):

GeneDx
Classification: Uncertain significance. Last evaluated: 2025-01-23. Review status: criteria provided, single submitter. Criteria: GeneDx Variant Classification Process June 2021. Collection method: clinical testing. Allele origin: germline. Affected: yes.
Comment: Not observed at significant frequency in large population cohorts (gnomAD); In silico analysis indicates that this missense variant does not alter protein structure/function; Has not been previously published as pathogenic or benign to our knowledge

Fulgent Genetics
Classification: Uncertain significance for CHD7-related CHARGE syndrome; Hypogonadotropic hypogonadism 5 with or without anosmia. Last evaluated: 2024-06-11. Review status: criteria provided, single submitter. Criteria: ACMG Guidelines, 2015. Collection method: clinical testing. Allele origin: germline.

Labcorp Genetics (formerly Invitae), Labcorp
Classification: Uncertain significance for CHARGE syndrome. Last evaluated: 2024-02-05. Review status: criteria provided, single submitter. Criteria: Invitae Variant Classification Sherloc (09022015). Collection method: clinical testing. Allele origin: germline.
Comment: This sequence change replaces cysteine, which is neutral and slightly polar, with phenylalanine, which is neutral and non-polar, at codon 480 of the CHD7 protein (p.Cys480Phe). This variant is not present in population databases (gnomAD no frequency). This variant has not been reported in the literature in individuals affected with CHD7-related conditions. Advanced modeling of protein sequence and biophysical properties (such as structural, functional, and spatial information, amino acid conservation, physicochemical variation, residue mobility, and thermodynamic stability) performed at Invitae indicates that this missense variant is not expected to disrupt CHD7 protein function with a negative predictive value of 95%. In summary, the available evidence is currently insufficient to determine the role of this variant in disease. Therefore, it has been classified as a Variant of Uncertain Significance.

NM_017780.4(CHD7):c.1439G>T (p.Cys480Phe)

Gene: CHD7 (chromodomain helicase DNA binding protein 7; plus strand). Cytogenetic location: 8q12.2.
Variant type: single nucleotide variant.
Coding change: c.1439G>T on transcript NM_017780.4 (MANE Select); coding-DNA position 1439, G replaced by T.
Protein change: p.Cys480Phe; replaces cysteine 480 with phenylalanine.
Molecular consequence: missense variant.
Genome position (GRCh38, 1-based): chr8:60,742,871, G>T. VCF-style: chr8-60742871-G-T. GRCh37 (hg19) VCF-style: chr8-61655430-G-T.
Other names: c.1439G>T, p.Cys480Phe (NM_001316690.1); short protein forms C480F.
Identifiers: ClinVar variation 2722947 (VCV002722947.5), dbSNP rs1809124774, ClinGen allele CA371302942.